The following is an entry in ClinVar:

ClinVar aggregate classification (germline): Conflicting classifications of pathogenicity. Review status: criteria provided, conflicting classifications (1 of 4 stars). 4 submissions from 4 submitters: Pathogenic (1); Uncertain significance (3). Last evaluated 2026-01-26.

Conditions:
Long QT syndrome (LQTS). Identifiers: MedGen C0023976, MeSH D008133, MONDO:0002442. Disease mechanism: loss of function. Inheritance: Various modes of inheritance.
Cardiovascular phenotype. Identifiers: MedGen CN230736.
Long QT syndrome 5 (LQT5). Identifiers: Orphanet 101016, Orphanet 768, MedGen C1867904, MONDO:0013372, OMIM 613695.
Jervell and Lange-Nielsen syndrome 2 (JLNS2). Identifiers: Orphanet 768, Orphanet 90647, MedGen C2676723, MONDO:0012871, OMIM 612347.

Allele frequency attached by ClinVar (database versions not stated): TOPMed 0.00001.

Submissions (5):

Labcorp Genetics (formerly Invitae), Labcorp
Classification: Pathogenic for Long QT syndrome. Last evaluated: 2026-01-26. Review status: criteria provided, single submitter. Criteria: Invitae Variant Classification Sherloc (09022015). Collection method: clinical testing. Allele origin: germline.
Comment: This sequence change replaces arginine, which is basic and polar, with glycine, which is neutral and non-polar, at codon 67 of the KCNE1 protein (p.Arg67Gly). This variant is not present in population databases (gnomAD no frequency). This missense change has been observed in individuals with clinical features of Long QT syndrome (internal data). ClinVar contains an entry for this variant (Variation ID: 644369). Invitae Evidence Modeling of protein sequence and biophysical properties (such as structural, functional, and spatial information, amino acid conservation, physicochemical variation, residue mobility, and thermodynamic stability) indicates that this missense variant is expected to disrupt KCNE1 protein function with a positive predictive value of 95%. This variant disrupts the p.Arg67 amino acid residue in KCNE1. Other variant(s) that disrupt this residue have been determined to be pathogenic (PMID: 21576493, 30020974, 31941373, 32058015; internal data). This suggests that this residue is clinically significant, and that variants that disrupt this residue are likely to be disease-causing. For these reasons, this variant has been classified as Pathogenic.

Ambry Genetics
Classification: Uncertain significance for Cardiovascular phenotype. Last evaluated: 2024-09-14. Review status: criteria provided, single submitter. Criteria: Ambry Variant Classification Scheme 2023. Collection method: clinical testing. Allele origin: germline.
Comment: The p.R67G variant (also known as c.199C>G), located in coding exon 1 of the KCNE1 gene, results from a C to G substitution at nucleotide position 199. The arginine at codon 67 is replaced by glycine, an amino acid with dissimilar properties. This amino acid position is highly conserved in available vertebrate species. In addition, this alteration is predicted to be deleterious by in silico analysis. Based on the available evidence, the clinical significance of this variant remains unclear.

Women's Health and Genetics/Laboratory Corporation of America, LabCorp
Classification: Uncertain significance. Last evaluated: 2024-05-26. Review status: criteria provided, single submitter. Criteria: LabCorp Variant Classification Summary - May 2015. Collection method: clinical testing. Allele origin: germline.

Fulgent Genetics
Classification: Uncertain significance for Jervell and Lange-Nielsen syndrome 2; Long QT syndrome 5. Last evaluated: 2021-09-30. Review status: criteria provided, single submitter. Criteria: ACMG Guidelines, 2015. Collection method: clinical testing. Allele origin: unknown.

Roden Lab, Vanderbilt University Medical Center
No classification provided (evidence only). Condition: Long QT syndrome 5. Review status: no classification provided. Collection method: in vitro. Allele origin: not applicable. Functional consequence: Effect on ion channel function. Not counted in ClinVar's aggregate classification.
ClinVar note: "not provided" was previously submitted as the classification for the variant. However, the classification appeared to be based only on an observation of functional data so it was converted to no classification on 2025-07-30.

Literature cited by the submitters: PubMed 21576493 (cited by Labcorp Genetics (formerly Invitae), Labcorp); PubMed 30020974 (cited by Labcorp Genetics (formerly Invitae), Labcorp); PubMed 31941373 (cited by Labcorp Genetics (formerly Invitae), Labcorp); PubMed 32058015 (cited by Labcorp Genetics (formerly Invitae), Labcorp).

NM_000219.6(KCNE1):c.199C>G (p.Arg67Gly)

Gene: KCNE1 (potassium voltage-gated channel subfamily E regulatory subunit 1; minus strand). Cytogenetic location: 21q22.12.
Variant type: single nucleotide variant.
Coding change: c.199C>G on transcript NM_000219.6 (MANE Select); coding-DNA position 199, C replaced by G.
Protein change: p.Arg67Gly; replaces arginine 67 with glycine.
Molecular consequence: missense variant.
Genome position (GRCh38, 1-based): chr21:34,449,436, G>C on the plus strand (C>G on the coding strand, the complement: KCNE1 is on the minus strand). VCF-style: chr21-34449436-G-C. GRCh37 (hg19) VCF-style: chr21-35821734-G-C.
Other names: c.199C>G (NM_000219.3); c.199C>G, p.Arg67Gly (NM_001127668.4, NM_001127669.4, NM_001127670.4 and 4 more transcripts); short protein forms R67G.
Identifiers: ClinVar variation 644369 (VCV000644369.11), dbSNP rs199473645, ClinGen allele CA410198283.
Genomic context (GRCh38, chr21:34,449,436, plus strand): 5'-AGGCATCGGACTCGATGTAGACGTTGAATGGGTCGTTCGAGTGCTCCAGCTTCTTGGAGC[G>C]GATGTAGCTCAGCATGATGCCCAGGGTGAAGAAGCCGAAGAATCCCAGTACCATGAGGAC-3'
Protein context (NP_000210.2, residues 57-77): FTLGIMLSYI[Arg67Gly]SKKLEHSNDP